The following is an entry in ClinVar:

ClinVar aggregate classification (germline): Conflicting classifications of pathogenicity. Review status: criteria provided, conflicting classifications (1 of 4 stars). 5 submissions from 5 submitters: Uncertain significance (3); Benign (1). 1 of the submissions does not count toward it. Last evaluated 2025-08-04.

Conditions:
Primary ciliary dyskinesia 3. Identifiers: Orphanet 244, MedGen C1837618, MONDO:0012085, OMIM 608644.
DNAH5-related disorder. Also called: DNAH5-related condition.
Primary ciliary dyskinesia. Also called: Ciliary dyskinesia. Identifiers: Orphanet 244, MedGen C0008780, MONDO:0016575, HP:0012265.

Allele frequency attached by ClinVar (database versions not stated): TOPMed 0.00003; gnomAD 0.00006; ESP Exome Variant Server 0.00008.
gnomAD v4.1: 113 of 1,614,132 alleles (0.007%); highest among the groups gnomAD compares: South Asian, 0.012%; no homozygotes.

Submissions (5):

Labcorp Genetics (formerly Invitae), Labcorp
Classification: Benign for Primary ciliary dyskinesia. Last evaluated: 2025-08-04. Review status: criteria provided, single submitter. Criteria: Invitae Variant Classification Sherloc (09022015). Collection method: clinical testing. Allele origin: germline.

PreventionGenetics, part of Exact Sciences
Classification: Uncertain significance for DNAH5-related condition. Last evaluated: 2024-11-12. Review status: criteria provided, single submitter. Criteria: ACMG Guidelines, 2015. Collection method: clinical testing. Allele origin: germline.
Comment: The DNAH5 c.11300G>A variant is predicted to result in the amino acid substitution p.Arg3767His. To our knowledge, this variant has not been reported in the literature. This variant is reported in 0.20% of alleles in individuals of Ashkenazi Jewish descent in gnomAD. At this time, the clinical significance of this variant is uncertain due to the absence of conclusive functional and genetic evidence.

Blueprint Genetics
Classification: Uncertain significance. Last evaluated: 2024-05-22. Review status: criteria provided, single submitter. Criteria: ACMG Guidelines, 2015. Collection method: clinical testing. Allele origin: germline.

Department of Pathology and Laboratory Medicine, Sinai Health System
Classification: Uncertain significance for primary ciliary dyskinesia 3. Last evaluated: 2023-01-26. Review status: criteria provided, single submitter. Criteria: ACMG Guidelines, 2015. Collection method: research. Allele origin: germline.

Natera, Inc.
Classification: Uncertain significance for Primary ciliary dyskinesia. Last evaluated: 2020-01-12. Review status: no assertion criteria provided. Collection method: clinical testing. Allele origin: germline. Not counted in ClinVar's aggregate classification.

NM_001369.3(DNAH5):c.11300G>A (p.Arg3767His)

Genes: DNAH5 (dynein axonemal heavy chain 5; minus strand), LOC107457585 (meiotic recombination hotspot J; plus strand). Cytogenetic location: 5p15.2.
Variant type: single nucleotide variant.
Coding change: c.11300G>A on transcript NM_001369.3 (MANE Select); coding-DNA position 11300, G replaced by A.
Protein change: p.Arg3767His; replaces arginine 3767 with histidine.
Molecular consequence: missense variant.
Genome position (GRCh38, 1-based): chr5:13,737,407, C>T on the plus strand (G>A on the coding strand, the complement: DNAH5 is on the minus strand). VCF-style: chr5-13737407-C-T. GRCh37 (hg19) VCF-style: chr5-13737516-C-T.
Other names: short protein forms R3767H.
Identifiers: ClinVar variation 650151 (VCV000650151.10), dbSNP rs138838869, ClinGen allele CA3202007.